The following is an entry in ClinVar:

NM_001377275.1(PER3):c.275-9G>A

Gene: PER3 (period circadian regulator 3; plus strand). Cytogenetic location: 1p36.23.
Variant type: single nucleotide variant.
Coding change: c.275-9G>A on transcript NM_001377275.1 (MANE Select); 9 bases into the intron before coding-DNA position 275, G replaced by A.
Molecular consequence: intron variant.
Genome position (GRCh38, 1-based): chr1:7,786,712, G>A. VCF-style: chr1-7786712-G-A. GRCh37 (hg19) VCF-style: chr1-7846772-G-A.
Other names: c.275-9G>A (NM_001289861.2, NM_001289863.3, NM_016831.4 and 2 more transcripts); c.-744-9G>A (NM_001289864.3).
Identifiers: ClinVar variation 3035114 (VCV003035114.2), dbSNP rs182687404, ClinGen allele CA567649.
Genomic context (GRCh38, chr1:7,786,712, plus strand): 5'-AGTGATGAAATGGTTTCCTAAAGATACTGTTGTCACTGGACTACCTGTTTATCTCCCTGT[G>A]TTTCTTAGCAAACAGTGAGTTTTTCCAGATTCTCAGTCAGAATGGAGCACCTCAGGCAGA-3'

ClinVar aggregate classification (germline): Likely benign (0 of 4 stars; one submission).

Conditions:
PER3-related disorder. Also called: PER3-related condition.

Allele frequency attached by ClinVar (database versions not stated): gnomAD exomes 0.00003; ExAC 0.00015; 1000 Genomes Project 30x 0.00016; 1000 Genomes Project 0.00020; gnomAD 0.00031; TOPMed 0.00036; ESP Exome Variant Server 0.00069.
gnomAD v4.1: 89 of 1,452,322 alleles (0.0061%); highest among the groups gnomAD compares: African/African-American, 0.12%; no homozygotes.

Submission:

PreventionGenetics, part of Exact Sciences
Classification: Likely benign for PER3-related condition. Last evaluated: 2019-08-08. Review status: no assertion criteria provided. Collection method: clinical testing. Allele origin: germline.
Comment: This variant is classified as likely benign based on ACMG/AMP sequence variant interpretation guidelines (Richards et al. 2015 PMID: 25741868, with internal and published modifications).